The following is an entry in ClinVar:

NM_001792.5(CDH2):c.1607A>C (p.Lys536Thr)

Gene: CDH2 (cadherin 2; minus strand). Cytogenetic location: 18q12.1.
Variant type: single nucleotide variant.
Coding change: c.1607A>C on transcript NM_001792.5 (MANE Select); coding-DNA position 1607, A replaced by C.
Protein change: p.Lys536Thr; replaces lysine 536 with threonine.
Molecular consequence: missense variant.
Genome position (GRCh38, 1-based): chr18:27,988,658, T>G on the plus strand (A>C on the coding strand, the complement: CDH2 is on the minus strand). VCF-style: chr18-27988658-T-G. GRCh37 (hg19) VCF-style: chr18-25568622-T-G.
Other names: c.1514A>C, p.Lys505Thr (NM_001308176.2); short protein forms K505T, K536T.
Identifiers: ClinVar variation 1776304 (VCV001776304.2), dbSNP rs2510795699, ClinGen allele CA402108229.

ClinVar aggregate classification (germline): Uncertain significance (1 of 4 stars; one submission).

Conditions:
Inborn genetic diseases. Identifiers: MedGen C0950123, MeSH D030342.

Allele frequency attached by ClinVar (database versions not stated): gnomAD exomes below 0.00001.
gnomAD v4.1: 1 of 1,595,698 alleles (0.000063%); highest among the groups gnomAD compares: Non-Finnish European, 0.000086%; no homozygotes.

Submission:

Ambry Genetics
Classification: Uncertain significance for Inborn genetic diseases. Last evaluated: 2022-05-24. Review status: criteria provided, single submitter. Criteria: Ambry Variant Classification Scheme 2023. Collection method: clinical testing. Allele origin: germline.
Comment: The p.K536T variant (also known as c.1607A>C), located in coding exon 11 of the CDH2 gene, results from an A to C substitution at nucleotide position 1607. The lysine at codon 536 is replaced by threonine, an amino acid with similar properties. This amino acid position is conserved. In addition, the in silico prediction for this alteration is inconclusive. Since supporting evidence is limited at this time, the clinical significance of this alteration remains unclear.